The following is an entry in ClinVar:

NM_003737.4(DCHS1):c.8404C>T (p.Leu2802=)

Gene: DCHS1 (dachsous cadherin-related 1; minus strand). Cytogenetic location: 11p15.4.
Variant type: single nucleotide variant.
Coding change: c.8404C>T on transcript NM_003737.4 (MANE Select); coding-DNA position 8404, C replaced by T.
Protein change: p.Leu2802=; no amino-acid change (leucine 2802 retained).
Molecular consequence: synonymous variant.
Genome position (GRCh38, 1-based): chr11:6,623,272, G>A on the plus strand (C>T on the coding strand, the complement: DCHS1 is on the minus strand). VCF-style: chr11-6623272-G-A. GRCh37 (hg19) VCF-style: chr11-6644503-G-A.
Identifiers: ClinVar variation 716970 (VCV000716970.36), dbSNP rs138806709, ClinGen allele CA5859425.

ClinVar aggregate classification (germline): Benign/Likely benign. Review status: criteria provided, multiple submitters, no conflicts (2 of 4 stars). 4 submissions from 4 submitters: Benign (2); Likely benign (2). Last evaluated 2026-01-22.

Allele frequency attached by ClinVar (database versions not stated): gnomAD exomes 0.00033 and 0.00077; 1000 Genomes Project 0.00140; ExAC 0.00140; 1000 Genomes Project 30x 0.00141; gnomAD 0.00318 and 0.00352; ESP Exome Variant Server 0.00354; TOPMed 0.00363.
gnomAD v4.1: 973 of 1,589,866 alleles (0.061%); highest among the groups gnomAD compares: African/African-American, 1.1%; 4 homozygotes.

Submissions (4):

Labcorp Genetics (formerly Invitae), Labcorp
Classification: Benign. Last evaluated: 2026-01-22. Review status: criteria provided, single submitter. Criteria: Invitae Variant Classification Sherloc (09022015). Collection method: clinical testing. Allele origin: germline.

Blueprint Genetics
Classification: Likely benign. Last evaluated: 2024-11-21. Review status: criteria provided, single submitter. Criteria: ACMG Guidelines, 2015. Collection method: clinical testing. Allele origin: germline.

CeGaT Center for Human Genetics Tuebingen
Classification: Benign. Last evaluated: 2023-12-01. Review status: criteria provided, single submitter. Criteria: CeGaT Center For Human Genetics Tuebingen Variant Classification Criteria Version 2. Collection method: clinical testing. Allele origin: germline. Affected: yes. Observed: 2 variant alleles.
Comment: DCHS1: BP4, BS1, BS2

GeneDx
Classification: Likely benign. Last evaluated: 2020-10-01. Review status: criteria provided, single submitter. Criteria: GeneDx Variant Classification Process June 2021. Collection method: clinical testing. Allele origin: germline. Affected: yes.